The following is an entry in ClinVar:

NM_144672.4(OTOA):c.2305C>T (p.Pro769Ser)

Gene: OTOA (otoancorin). Cytogenetic location: 16p12.2.
Variant type: single nucleotide variant.
Coding change: c.2305C>T on transcript NM_144672.4 (MANE Select); coding-DNA position 2305, C replaced by T.
Protein change: p.Pro769Ser; replaces proline 769 with serine.
Molecular consequence: missense variant.
Genome position (GRCh38, 1-based): chr16:21,736,264, C>T. VCF-style: chr16-21736264-C-T. GRCh37 (hg19) VCF-style: chr16-21747585-C-T.
Other names: c.2068C>T, p.Pro690Ser (NM_001161683.2); c.1333C>T, p.Pro445Ser (NM_170664.3); short protein forms P445S, P690S, P769S.
Identifiers: ClinVar variation 666891 (VCV000666891.4), dbSNP rs769182891, ClinGen allele CA7952953.

ClinVar aggregate classification (germline): Uncertain significance (1 of 4 stars; one submission).

Allele frequency attached by ClinVar (database versions not stated): ExAC 0.00001; gnomAD 0.00001; gnomAD exomes 0.00001 and 0.00004; TOPMed 0.00002.
gnomAD v4.1: 51 of 1,612,332 alleles (0.0032%); highest among the groups gnomAD compares: Non-Finnish European, 0.0042%; no homozygotes.

Submission:

Laboratory for Molecular Medicine, Mass General Brigham Personalized Medicine
Classification: Uncertain significance. Last evaluated: 2018-02-28. Review status: criteria provided, single submitter. Criteria: LMM Criteria. Collection method: clinical testing. Allele origin: germline. Observed: 1 variant allele.
Comment: The p.Pro769Ser variant in OTOA has not been previously reported in individuals with hearing loss, but has been identified in 2/111,668 European chromosomes by the Genome Aggregation Database (gnomAD; dbSNP rs769182891). Although this variant has been seen in the general population, it s frequency is not high enough to rule out a pathogenic role. Computational pred iction tools and conservation analyses do not provide strong support for or agai nst an impact to the protein. In summary, the clinical significance of the p.Pro 769Ser variant is uncertain. ACMG/AMP Criteria applied: PM2